The following is an entry in ClinVar:

ClinVar aggregate classification (germline): Uncertain significance. Review status: criteria provided, multiple submitters, no conflicts (2 of 4 stars). 2 submissions from 2 submitters: Uncertain significance (2). Last evaluated 2019-07-29.

Conditions:
Retinitis pigmentosa 2 (RP2). Also called: Retinitis pigmentosa 2, X linked. Identifiers: Orphanet 791, MedGen C2681923, MONDO:0010723, OMIM 312600.

Submissions (2):

Labcorp Genetics (formerly Invitae), Labcorp
Classification: Uncertain significance. Last evaluated: 2019-07-29. Review status: criteria provided, single submitter. Criteria: Invitae Variant Classification Sherloc (09022015). Collection method: clinical testing. Allele origin: germline.
Comment: This variant is not present in population databases (ExAC no frequency). This sequence change replaces glutamine with arginine at codon 116 of the RP2 protein (p.Gln116Arg). The glutamine residue is highly conserved and there is a small physicochemical difference between glutamine and arginine. This variant has not been reported in the literature in individuals with RP2-related conditions. Algorithms developed to predict the effect of missense changes on protein structure and function (SIFT, PolyPhen-2, Align-GVGD) all suggest that this variant is likely to be disruptive, but these predictions have not been confirmed by published functional studies and their clinical significance is uncertain. In summary, the available evidence is currently insufficient to determine the role of this variant in disease. Therefore, it has been classified as a Variant of Uncertain Significance.

Juno Genomics, Hangzhou Juno Genomics, Inc
Classification: Uncertain significance for Retinitis pigmentosa 2. Review status: criteria provided, single submitter. Criteria: ACMG Guidelines, 2015. Collection method: clinical testing. Allele origin: germline.
Comment: Absent from controls (or at extremely low frequency if recessive) in Genome Aggregation Database.;Multiple lines of computational evidence support a deleterious effect on the gene or gene product.;Patient's phenotype or family history is highly specific for a disease with a single genetic etiology.

NM_006915.3(RP2):c.347A>G (p.Gln116Arg)

Gene: RP2 (RP2 activator of ARL3 GTPase; plus strand). Cytogenetic location: Xp11.3.
Variant type: single nucleotide variant.
Coding change: c.347A>G on transcript NM_006915.3 (MANE Select); coding-DNA position 347, A replaced by G.
Protein change: p.Gln116Arg; replaces glutamine 116 with arginine.
Molecular consequence: missense variant.
Genome position (GRCh38, 1-based): chrX:46,853,720, A>G. VCF-style: chrX-46853720-A-G. GRCh37 (hg19) VCF-style: chrX-46713155-A-G.
Other names: short protein forms Q116R.
Identifiers: ClinVar variation 962003 (VCV000962003.11), dbSNP rs1924902125, ClinGen allele CA413039343.